The following is an entry in ClinVar:

NM_000540.3(RYR1):c.9930C>T (p.Asp3310=)

Gene: RYR1 (ryanodine receptor 1; plus strand). Cytogenetic location: 19q13.2.
Variant type: single nucleotide variant.
Coding change: c.9930C>T on transcript NM_000540.3 (MANE Select); coding-DNA position 9930, C replaced by T.
Protein change: p.Asp3310=; no amino-acid change (aspartic acid 3310 retained).
Molecular consequence: synonymous variant.
Genome position (GRCh38, 1-based): chr19:38,517,603, C>T. VCF-style: chr19-38517603-C-T. GRCh37 (hg19) VCF-style: chr19-39008243-C-T.
Other names: c.9930C>T, p.Asp3310= (NM_001042723.2).
Identifiers: ClinVar variation 515049 (VCV000515049.9), dbSNP rs1315921296, ClinGen allele CA507247355.

ClinVar aggregate classification (germline): Likely benign. Review status: criteria provided, multiple submitters, no conflicts (2 of 4 stars). 3 submissions from 3 submitters: Likely benign (3). Last evaluated 2025-08-18.

Conditions:
RYR1-related disorder. Also called: RYR1-related disorders; RYR1-related condition. Identifiers: MedGen CN239331.
Malignant hyperthermia, susceptibility to, 1 (MHS1). Also called: Anesthesia related hyperthermia; Malignant hyperpyrexia; Fulminating hyperpyrexia; Pharmacogenic myopathy; RYR1-Related Malignant Hyperthermia Susceptibility; Malignant hyperthermia suceptibility 1. Identifiers: Orphanet 423, MedGen C2930980, MONDO:0007783, OMIM 145600.

Allele frequency attached by ClinVar (database versions not stated): gnomAD 0.00001; TOPMed 0.00001; gnomAD exomes 0.00002.
gnomAD v4.1: 26 of 1,614,092 alleles (0.0016%); highest among the groups gnomAD compares: Non-Finnish European, 0.0021%; no homozygotes.

Submissions (3):

Labcorp Genetics (formerly Invitae), Labcorp
Classification: Likely benign for RYR1-related disorder. Last evaluated: 2025-08-18. Review status: criteria provided, single submitter. Criteria: Invitae Variant Classification Sherloc (09022015). Collection method: clinical testing. Allele origin: germline.

Color Diagnostics, LLC DBA Color Health
Classification: Likely benign for Malignant hyperthermia, susceptibility to, 1. Last evaluated: 2022-11-06. Review status: criteria provided, single submitter. Criteria: ACMG Guidelines, 2015. Collection method: clinical testing. Allele origin: germline.

GeneDx
Classification: Likely benign. Last evaluated: 2018-02-01. Review status: criteria provided, single submitter. Criteria: GeneDx Variant Classification (06012015). Collection method: clinical testing. Allele origin: germline. Affected: yes.
Comment: This variant is considered likely benign or benign based on one or more of the following criteria: it is a conservative change, it occurs at a poorly conserved position in the protein, it is predicted to be benign by multiple in silico algorithms, and/or has population frequency not consistent with disease.